The following is an entry in ClinVar:

ClinVar aggregate classification (germline): Uncertain significance (1 of 4 stars; one submission).

Conditions:
Emery-Dreifuss muscular dystrophy 4, autosomal dominant (EDMD4). Also called: EMERY-DREIFUSS MUSCULAR DYSTROPHY 4 WITH VARIABLE FEATURES. Identifiers: Orphanet 261, MedGen C2751807, MONDO:0013071, OMIM 612998.
Autosomal recessive ataxia, Beauce type. Also called: Spinocerebellar ataxia, autosomal recessive 8; ATAXIA, RECESSIVE, OF BEAUCE; SYNE1 Deficiency; SYNE1-Related Autosomal Recessive Cerebellar Ataxia. Identifiers: Orphanet 88644, MedGen C1853116, MONDO:0012549, OMIM 610743.

Allele frequency attached by ClinVar (database versions not stated): gnomAD exomes below 0.00001; TOPMed below 0.00001.
gnomAD v4.1: 2 of 1,614,130 alleles (0.00012%); highest among the groups gnomAD compares: Admixed American, 0.0033%; no homozygotes.

Submission:

Labcorp Genetics (formerly Invitae), Labcorp
Classification: Uncertain significance for Emery-Dreifuss muscular dystrophy 4, autosomal dominant; Autosomal recessive ataxia, Beauce type. Last evaluated: 2022-08-22. Review status: criteria provided, single submitter. Criteria: Invitae Variant Classification Sherloc (09022015). Collection method: clinical testing. Allele origin: germline.
Comment: This sequence change replaces phenylalanine, which is neutral and non-polar, with leucine, which is neutral and non-polar, at codon 4881 of the SYNE1 protein (p.Phe4881Leu). This variant is present in population databases (no rsID available, gnomAD 0.003%). This variant has not been reported in the literature in individuals affected with SYNE1-related conditions. ClinVar contains an entry for this variant (Variation ID: 1040992). Algorithms developed to predict the effect of missense changes on protein structure and function are either unavailable or do not agree on the potential impact of this missense change (SIFT: "Deleterious"; PolyPhen-2: "Benign"; Align-GVGD: "Class C0"). In summary, the available evidence is currently insufficient to determine the role of this variant in disease. Therefore, it has been classified as a Variant of Uncertain Significance.

NM_182961.4(SYNE1):c.14854T>C (p.Phe4952Leu)

Gene: SYNE1 (spectrin repeat containing nuclear envelope protein 1; minus strand). Cytogenetic location: 6q25.2.
Variant type: single nucleotide variant.
Coding change: c.14854T>C on transcript NM_182961.4 (MANE Select); coding-DNA position 14854, T replaced by C.
Protein change: p.Phe4952Leu; replaces phenylalanine 4952 with leucine.
Molecular consequence: missense variant.
Genome position (GRCh38, 1-based): chr6:152,329,831, A>G on the plus strand (T>C on the coding strand, the complement: SYNE1 is on the minus strand). VCF-style: chr6-152329831-A-G. GRCh37 (hg19) VCF-style: chr6-152650966-A-G.
Other names: c.14641T>C, p.Phe4881Leu (NM_033071.5); short protein forms F4881L, F4952L.
Identifiers: ClinVar variation 1040992 (VCV001040992.6), dbSNP rs1044018341, ClinGen allele CA150175491.